The following is an entry in ClinVar:

NM_000238.4(KCNH2):c.2395del (p.Leu799fs)

Gene: KCNH2 (potassium voltage-gated channel subfamily H member 2; minus strand). Cytogenetic location: 7q36.1.
Variant type: Deletion.
Coding change: c.2395del on transcript NM_000238.4 (MANE Select); coding-DNA position 2395, one base deleted (C; older notation c.2395delC).
Protein change: p.Leu799fs; shifts the reading frame from leucine 799.
Molecular consequence: frameshift variant.
Genome position (GRCh38, 1-based): chr7:150,950,171, G deleted on the plus strand (C on the coding strand, the reverse complement: KCNH2 is on the minus strand); the first of 2 consecutive G bases (chr7:150,950,171-150,950,172); deleting either gives the same sequence. VCF-style (leftmost placement, unchanged base first): chr7-150950170-AG-A. GRCh37 (hg19) VCF-style: chr7-150647258-AG-A.
Other names: c.1375del, p.Leu459fs (NM_001204798.2, NM_172057.3); c.2106delC, p.Leu703Trpfs (NM_001406753.1, NM_001406756.1); c.2217delC, p.Leu740Trpfs (NM_001406755.1); c.2094delC, p.Leu699Trpfs (NM_001406757.1); c.2394delC, p.Leu799Trpfs (NM_172056.3); short protein forms L459fs, L799fs.
Identifiers: ClinVar variation 200650 (VCV000200650.5), dbSNP rs794728444, ClinGen allele CA006579.

ClinVar aggregate classification (germline): Pathogenic/Likely pathogenic. Review status: criteria provided, multiple submitters, no conflicts (2 of 4 stars). 2 submissions from 2 submitters: Pathogenic (1); Likely pathogenic (1). Last evaluated 2019-01-07.

Conditions:
KCNH2-related disorder. Also called: KCNH2-related condition; KCNH2-related disorders.

Submissions (2):

Blueprint Genetics
Classification: Likely pathogenic for KCNH2-related disorders. Last evaluated: 2019-01-07. Review status: criteria provided, single submitter. Criteria: ACMG Guidelines, 2015. Collection method: clinical testing. Allele origin: germline. Affected: yes. Observed: 1 variant allele.

GeneDx
Classification: Pathogenic. Last evaluated: 2015-06-29. Review status: criteria provided, single submitter. Criteria: GeneDx Variant Classification (06012015). Collection method: clinical testing. Allele origin: germline. Affected: yes.
Comment: The c.2395delC mutation in the KCNH2 gene has been reported previously in association with LQTS (Splawski I et al., 2000; Tester D et al., 2005). This mutation causes a shift in reading frame starting at codon Leucine 799, changing it to a Tryptophan, and creating a premature stop codon at position 11 of the new reading frame. This mutation is expected to result either in an abnormal, truncated protein product or loss of protein from this allele through nonsense-mediated mRNA decay. Other frameshift mutations in the KCNH2 gene have been reported in association with LQTS. In summary, c.2395delC in the KCNH2 gene is interpreted as a disease-causing mutation.